The following is an entry in ClinVar:

NM_001258392.3(CLPB):c.1718G>C (p.Arg573Pro)

Gene: CLPB (ClpB family mitochondrial disaggregase; minus strand). Cytogenetic location: 11q13.4.
Variant type: single nucleotide variant.
Coding change: c.1718G>C on transcript NM_001258392.3 (MANE Select); coding-DNA position 1718, G replaced by C.
Protein change: p.Arg573Pro; replaces arginine 573 with proline.
Molecular consequence: missense variant.
Genome position (GRCh38, 1-based): chr11:72,294,089, C>G on the plus strand (G>C on the coding strand, the complement: CLPB is on the minus strand). VCF-style: chr11-72294089-C-G. GRCh37 (hg19) VCF-style: chr11-72005133-C-G.
Other names: c.1631G>C, p.Arg544Pro (NM_001258393.3); c.1673G>C, p.Arg558Pro (NM_001258394.3); c.1808G>C, p.Arg603Pro (NM_030813.6); short protein forms R603P, R544P, R558P, R573P.
Identifiers: ClinVar variation 1491646 (VCV001491646.6), dbSNP rs765245566, ClinGen allele CA381725660.

ClinVar aggregate classification (germline): Uncertain significance (1 of 4 stars; one submission).

Conditions:
3-methylglutaconic aciduria, type VIIB (MGCA7B). Also called: CLPB Deficiency; 3-methylglutaconic aciduria with cataracts, neurologic involvement and neutropenia; 3-methylglutaconic aciduria, type VII, with cataracts, neurologic involvement and neutropenia. Identifiers: Orphanet 445038, MedGen C5676893, MONDO:0014561, OMIM 616271.

gnomAD v4.1: 2 of 1,614,118 alleles (0.00012%); highest among the groups gnomAD compares: Middle Eastern, 0.016%; no homozygotes.

Submission:

Labcorp Genetics (formerly Invitae), Labcorp
Classification: Uncertain significance for 3-methylglutaconic aciduria, type VIIB. Last evaluated: 2022-07-19. Review status: criteria provided, single submitter. Criteria: Invitae Variant Classification Sherloc (09022015). Collection method: clinical testing. Allele origin: germline.
Comment: This variant is not present in population databases (gnomAD no frequency). In summary, the available evidence is currently insufficient to determine the role of this variant in disease. Therefore, it has been classified as a Variant of Uncertain Significance. Algorithms developed to predict the effect of missense changes on protein structure and function (SIFT, PolyPhen-2, Align-GVGD) all suggest that this variant is likely to be tolerated. ClinVar contains an entry for this variant (Variation ID: 1491646). This variant has not been reported in the literature in individuals affected with CLPB-related conditions. This sequence change replaces arginine, which is basic and polar, with proline, which is neutral and non-polar, at codon 603 of the CLPB protein (p.Arg603Pro).